The following is an entry in ClinVar:

ClinVar aggregate classification (germline): Pathogenic/Likely pathogenic. Review status: criteria provided, multiple submitters, no conflicts (2 of 4 stars). 4 submissions from 4 submitters: Pathogenic (2); Likely pathogenic (2). Last evaluated 2025-07-02.

Conditions:
Severe combined immunodeficiency, autosomal recessive, T cell-negative, B cell-negative, NK cell-positive. Also called: SCID, AR, T-cell negative, B-cell negative, NK cell-positive; Severe combined immunodeficiency due to complete RAG1/2 deficiency; SCID, T CELL-NEGATIVE, B CELL-NEGATIVE, NK CELL-POSITIVE. Identifiers: Orphanet 331206, MedGen C1832322, MONDO:0011086, OMIM 601457.
Combined immunodeficiency with skin granulomas. Identifiers: Orphanet 157949, MedGen C2673536, MONDO:0009306, OMIM 233650.
RAG1-related disorder. Also called: RAG1-related condition; RAG1-related disorders.
Severe combined immunodeficiency disease. Also called: Severe combined immunodeficiency; Severe Combined Immune Deficiency. Identifiers: Orphanet 183660, MedGen C0085110, MeSH D016511, MONDO:0015974, HP:0004430. Inheritance: X-Linked or Autosomal recessive.
Combined immunodeficiency due to partial RAG1 deficiency. Identifiers: Orphanet 231154, MedGen C1835931, MONDO:0012359, OMIM 609889.

Allele frequency attached by ClinVar (database versions not stated): TOPMed below 0.00001; gnomAD exomes 0.00001.
gnomAD v4.1: 4 of 1,614,204 alleles (0.00025%); highest among the groups gnomAD compares: South Asian, 0.0011%; no homozygotes.

Submissions (4):

Women's Health and Genetics/Laboratory Corporation of America, LabCorp
Classification: Pathogenic for Severe combined immunodeficiency disease. Last evaluated: 2025-07-02. Review status: criteria provided, single submitter. Criteria: LabCorp Variant Classification Summary - May 2015. Collection method: clinical testing. Allele origin: germline.
Comment: Variant summary: RAG1 c.2327G>A (p.Arg776Gln) results in a conservative amino acid change in the encoded protein sequence. Algorithms developed to predict the effect of missense changes on protein structure and function are either unavailable or do not agree on the potential impact of this missense change. The variant allele was found at a frequency of 4e-06 in 251202 control chromosomes. c.2327G>A has been observed in individual(s) affected with Severe Combined Immunodeficiency (e.g. Haq_2007, Karaca_2009, Lee_2017). At least one publication reports experimental evidence evaluating an impact on protein function (Bosticardo_2025). The most pronounced variant effect results in <1% of normal recombination activity. Additionally, a different variant affecting the same codon has been classified as likely pathogenic/pathogenic by our lab (c.2326C>T, p.Arg776Trp), supporting the critical relevance of codon 776 to RAG1 protein function. The following publications have been ascertained in the context of this evaluation (PMID: 39792639, 17572155, 19458910, 25707801, 25976673, 22424479, 32670274, 28623282, 24144642). ClinVar contains an entry for this variant (Variation ID: 1704499). Based on the evidence outlined above, the variant was classified as pathogenic.

Labcorp Genetics (formerly Invitae), Labcorp
Classification: Pathogenic for Combined immunodeficiency with skin granulomas; Severe combined immunodeficiency, autosomal recessive, T cell-negative, B cell-negative, NK cell-positive. Last evaluated: 2024-10-22. Review status: criteria provided, single submitter. Criteria: Invitae Variant Classification Sherloc (09022015). Collection method: clinical testing. Allele origin: germline.
Comment: This sequence change replaces arginine, which is basic and polar, with glutamine, which is neutral and polar, at codon 776 of the RAG1 protein (p.Arg776Gln). This variant is present in population databases (no rsID available, gnomAD 0.004%). This missense change has been observed in individuals with severe combined immunodeficiency (SCID) (PMID: 17572155, 22424479, 24144642). ClinVar contains an entry for this variant (Variation ID: 1704499). Invitae Evidence Modeling of protein sequence and biophysical properties (such as structural, functional, and spatial information, amino acid conservation, physicochemical variation, residue mobility, and thermodynamic stability) has been performed for this missense variant. However, the output from this modeling did not meet the statistical confidence thresholds required to predict the impact of this variant on RAG1 protein function. This variant disrupts the p.Arg776 amino acid residue in RAG1. Other variant(s) that disrupt this residue have been determined to be pathogenic (PMID: 18701881). This suggests that this residue is clinically significant, and that variants that disrupt this residue are likely to be disease-causing. For these reasons, this variant has been classified as Pathogenic.

PreventionGenetics, part of Exact Sciences
Classification: Likely pathogenic for RAG1-related condition. Last evaluated: 2023-09-15. Review status: criteria provided, single submitter. Criteria: ACMG Guidelines, 2015. Collection method: clinical testing. Allele origin: germline.
Comment: The RAG1 c.2327G>A variant is predicted to result in the amino acid substitution p.Arg776Gln. In the literature this variant is also reported as G2439A and R776Q. This variant was reported in the compound heterozygous state in an individual with T-B-NK+ severe combined Immunodeficiency (SCID) (Karaca et al. 2009. PubMed ID: 19458910; Kutukculer et al. 2012. PubMed ID: 22424479). This variant was also reported in the presumed homozygous state in an individual with SCID, however specific details were not provided (Patient 43, Haq et al. 2007. PubMed ID: 17572155). Of note, another variant impacting the same amino acid (p.Arg776Trp) has been reported in the homozygous state in Athabascan-speaking Dine Indians from the Canadian Northwest Territories with T-B-NK+ SCID (Xiao et al. 2009. PubMed ID: 18701881). The p.Arg776Gln variant is reported in 0.0046% of alleles in individuals of European (Finnish) descent in gnomAD and has conflicting interpretations regarding its pathogenicity in ClinVar, ranging from pathogenic to uncertain significance. Taken together we interpret this variant as likely pathogenic.

Baylor Genetics
Classification: Likely pathogenic for Combined immunodeficiency due to partial RAG1 deficiency. Last evaluated: 2023-05-02. Review status: criteria provided, single submitter. Criteria: ACMG Guidelines, 2015. Collection method: clinical testing. Allele origin: unknown.

Literature cited by the submitters: PubMed 17572155 (cited by Women's Health and Genetics/Laboratory Corporation of America, LabCorp and Labcorp Genetics (formerly Invitae), Labcorp); PubMed 19458910 (cited by Women's Health and Genetics/Laboratory Corporation of America, LabCorp); PubMed 22424479 (cited by Women's Health and Genetics/Laboratory Corporation of America, LabCorp and Labcorp Genetics (formerly Invitae), Labcorp); PubMed 25976673 (cited by Women's Health and Genetics/Laboratory Corporation of America, LabCorp); PubMed 25707801 (cited by Women's Health and Genetics/Laboratory Corporation of America, LabCorp); PubMed 32670274 (cited by Women's Health and Genetics/Laboratory Corporation of America, LabCorp); PubMed 28623282 (cited by Women's Health and Genetics/Laboratory Corporation of America, LabCorp); PubMed 24144642 (cited by Women's Health and Genetics/Laboratory Corporation of America, LabCorp and Labcorp Genetics (formerly Invitae), Labcorp); PubMed 39792639 (cited by Women's Health and Genetics/Laboratory Corporation of America, LabCorp); PubMed 18701881 (cited by Labcorp Genetics (formerly Invitae), Labcorp).

NM_000448.3(RAG1):c.2327G>A (p.Arg776Gln)

Gene: RAG1 (recombination activating 1; plus strand). Cytogenetic location: 11p12.
Variant type: single nucleotide variant.
Coding change: c.2327G>A on transcript NM_000448.3 (MANE Select); coding-DNA position 2327, G replaced by A.
Protein change: p.Arg776Gln; replaces arginine 776 with glutamine.
Molecular consequence: missense variant.
Genome position (GRCh38, 1-based): chr11:36,575,631, G>A. VCF-style: chr11-36575631-G-A. GRCh37 (hg19) VCF-style: chr11-36597181-G-A.
Other names: c.2327G>A, p.Arg776Gln (NM_001377277.1, NM_001377278.1, NM_001377279.1 and 1 more transcripts); short protein forms R776Q.
Identifiers: ClinVar variation 1704499 (VCV001704499.10), dbSNP rs1254739284, ClinGen allele CA380154478.